The following is an entry in ClinVar:

ClinVar aggregate classification (germline): Uncertain significance. Review status: criteria provided, multiple submitters, no conflicts (2 of 4 stars). 3 submissions from 3 submitters: Uncertain significance (3). Last evaluated 2024-02-13.

Conditions:
Inborn genetic diseases. Identifiers: MedGen C0950123, MeSH D030342.

Allele frequency attached by ClinVar (database versions not stated): 1000 Genomes Project 30x 0.00016; 1000 Genomes Project 0.00020; TOPMed 0.00040; gnomAD 0.00057; ESP Exome Variant Server 0.00077.

Submissions (3):

Ambry Genetics
Classification: Uncertain significance for Inborn genetic diseases. Last evaluated: 2024-02-13. Review status: criteria provided, single submitter. Criteria: Ambry Variant Classification Scheme 2023. Collection method: clinical testing. Allele origin: germline.

ARUP Laboratories, Molecular Genetics and Genomics, ARUP Laboratories
Classification: Uncertain significance. Last evaluated: 2017-12-08. Review status: criteria provided, single submitter. Criteria: ARUP Molecular Germline Variant Investigation Process. Collection method: clinical testing. Allele origin: germline.
Comment: The MYH10 p.Asp1092Glu variant (rs138732743) has not been reported in the medical literature, is not listed in gene-specific variant databases, nor has it been previously identified in our laboratory. The p.Asp1092Glu variant is listed in the Genome Aggregation Database (gnomAD) browser with an allele frequency of 0.09% in the non-Finnish European population (identified in 114 out of 126,502 chromosomes). The aspartic acid at codon 1092 is moderately conserved considering 12 species (Alamut software v2.10.0), and computational analyses predict that this variant does not affect the structure/function of the MYH10 protein (SIFT: tolerated, PolyPhen2: benign, MutationTaster: polymorphism). Based on the available information, the clinical significance of the MYH10 variant cannot be determined with certainty.

Breakthrough Genomics
Classification: Uncertain significance. Review status: criteria provided, single submitter. Criteria: ACMG Guidelines, 2015. Collection method: not provided. Allele origin: germline. Inheritance: Unknown mechanism. Affected: yes.

NM_001256012.3(MYH10):c.3276C>A (p.Asp1092Glu)

Gene: MYH10 (myosin heavy chain 10; minus strand). Cytogenetic location: 17p13.1.
Variant type: single nucleotide variant.
Coding change: c.3276C>A on transcript NM_001256012.3 (MANE Select); coding-DNA position 3276, C replaced by A.
Protein change: p.Asp1092Glu; replaces aspartic acid 1092 with glutamic acid.
Molecular consequence: missense variant.
Genome position (GRCh38, 1-based): chr17:8,506,428, G>T on the plus strand (C>A on the coding strand, the complement: MYH10 is on the minus strand). VCF-style: chr17-8506428-G-T. GRCh37 (hg19) VCF-style: chr17-8409746-G-T.
Other names: c.3210C>A, p.Asp1070Glu (NM_001256095.2); c.3213C>A, p.Asp1071Glu (NM_001375266.1); c.3183C>A, p.Asp1061Glu (NM_005964.5); c.3183C>A (NM_005964.1); short protein forms D1092E, D1061E, D1070E, D1071E.
Identifiers: ClinVar variation 618227 (VCV000618227.12), dbSNP rs138732743, ClinGen allele CA8377496.